The following is an entry in ClinVar:

NM_020884.7(MYH7B):c.3680A>G (p.Glu1227Gly)

Gene: MYH7B (myosin heavy chain 7B; plus strand). Cytogenetic location: 20q11.22.
Variant type: single nucleotide variant.
Coding change: c.3680A>G on transcript NM_020884.7 (MANE Select); coding-DNA position 3680, A replaced by G.
Protein change: p.Glu1227Gly; replaces glutamic acid 1227 with glycine.
Molecular consequence: missense variant.
Genome position (GRCh38, 1-based): chr20:34,997,573, A>G. VCF-style: chr20-34997573-A-G. GRCh37 (hg19) VCF-style: chr20-33585376-A-G.
Other names: short protein forms E1227G.
Identifiers: ClinVar variation 2652274 (VCV002652274.24), dbSNP rs756445760, ClinGen allele CA408711853.

ClinVar aggregate classification (germline): Uncertain significance (1 of 4 stars; one submission).

Submission:

CeGaT Center for Human Genetics Tuebingen
Classification: Uncertain significance. Last evaluated: 2023-09-01. Review status: criteria provided, single submitter. Criteria: CeGaT Center For Human Genetics Tuebingen Variant Classification Criteria Version 2. Collection method: clinical testing. Allele origin: germline. Affected: yes. Observed: 1 variant allele.
Comment: MYH7B: PM2, PP3